The following is an entry in ClinVar:

NM_178857.6(RP1L1):c.314C>T (p.Ser105Phe)

Gene: RP1L1 (RP1 like 1). Cytogenetic location: 8p23.1.
Variant type: single nucleotide variant.
Coding change: c.314C>T on transcript NM_178857.6 (MANE Select); coding-DNA position 314, C replaced by T.
Protein change: p.Ser105Phe; replaces serine 105 with phenylalanine.
Molecular consequence: missense variant.
Genome position (GRCh38, 1-based): chr8:10,622,888, G>A on the plus strand (C>T on the coding strand, the complement: RP1L1 is on the minus strand). VCF-style: chr8-10622888-G-A. GRCh37 (hg19) VCF-style: chr8-10480398-G-A.
Other names: short protein forms S105F.
Identifiers: ClinVar variation 3635491 (VCV003635491.3).

ClinVar aggregate classification (germline): Uncertain significance. Review status: criteria provided, multiple submitters, no conflicts (2 of 4 stars). 2 submissions from 2 submitters: Uncertain significance (2). Last evaluated 2024-02-08.

gnomAD v4.1: 56 of 1,613,682 alleles (0.0035%); highest among the groups gnomAD compares: Non-Finnish European, 0.0046%; no homozygotes.

Submissions (2):

Labcorp Genetics (formerly Invitae), Labcorp
Classification: Uncertain significance. Last evaluated: 2024-02-08. Review status: criteria provided, single submitter. Criteria: Invitae Variant Classification Sherloc (09022015). Collection method: clinical testing. Allele origin: germline.
Comment: This sequence change replaces serine, which is neutral and polar, with phenylalanine, which is neutral and non-polar, at codon 105 of the RP1L1 protein (p.Ser105Phe). This variant is present in population databases (no rsID available, gnomAD 0.005%). This variant has not been reported in the literature in individuals affected with RP1L1-related conditions. Advanced modeling of protein sequence and biophysical properties (such as structural, functional, and spatial information, amino acid conservation, physicochemical variation, residue mobility, and thermodynamic stability) performed at Invitae indicates that this missense variant is not expected to disrupt RP1L1 protein function with a negative predictive value of 80%. In summary, the available evidence is currently insufficient to determine the role of this variant in disease. Therefore, it has been classified as a Variant of Uncertain Significance.

Blueprint Genetics
Classification: Uncertain significance. Last evaluated: 2022-09-21. Review status: criteria provided, single submitter. Criteria: ACMG Guidelines, 2015. Collection method: clinical testing. Allele origin: germline.